The following is an entry in ClinVar:

NM_015450.3(POT1):c.322G>A (p.Gly108Arg)

Gene: POT1 (protection of telomeres 1; minus strand). Cytogenetic location: 7q31.33.
Variant type: single nucleotide variant.
Coding change: c.322G>A on transcript NM_015450.3 (MANE Select); coding-DNA position 322, G replaced by A.
Protein change: p.Gly108Arg; replaces glycine 108 with arginine.
Molecular consequence: missense variant. On other transcripts: non-coding transcript variant (3), 5 prime UTR variant (1).
Genome position (GRCh38, 1-based): chr7:124,863,574, C>T on the plus strand (G>A on the coding strand, the complement: POT1 is on the minus strand). VCF-style: chr7-124863574-C-T. GRCh37 (hg19) VCF-style: chr7-124503628-C-T.
Other names: c.-72G>A (NM_001042594.2); short protein forms G108R.
Identifiers: ClinVar variation 2575137 (VCV002575137.5), dbSNP rs2485481210, ClinGen allele CA369060147.

ClinVar aggregate classification (germline): Uncertain significance. Review status: criteria provided, multiple submitters, no conflicts (2 of 4 stars). 2 submissions from 2 submitters: Uncertain significance (2). Last evaluated 2025-05-06.

Conditions:
Tumor predisposition syndrome 3 (TPDS3). Also called: Glioma susceptibility 9; LONG TELOMERE SYNDROME, POT1-RELATED; POT1 Tumor Predisposition; Melanoma, cutaneous malignant, susceptibility to, 10. Identifiers: Orphanet 618, MedGen C4014476, MONDO:0014368, OMIM 615848.

Submissions (2):

Department of Clinical Genetics, Copenhagen University Hospital, Rigshospitalet
Classification: Uncertain significance for Tumor predisposition syndrome 3. Last evaluated: 2025-05-06. Review status: criteria provided, single submitter. Criteria: ACMG Guidelines, 2015. Collection method: clinical testing. Allele origin: germline.
Comment: The following ACMG criteria has been used: PM2_SUP

Center for Genomic Medicine, Rigshospitalet, Copenhagen University Hospital
Classification: Uncertain significance. Last evaluated: 2025-03-04. Review status: criteria provided, single submitter. Criteria: ACMG Guidelines, 2015. Collection method: clinical testing. Allele origin: germline.

Literature cited by the submitters: PubMed 40015989 (cited by Department of Clinical Genetics, Copenhagen University Hospital, Rigshospitalet); PubMed 28393830 (cited by Center for Genomic Medicine, Rigshospitalet, Copenhagen University Hospital); PubMed 24686849 (cited by Center for Genomic Medicine, Rigshospitalet, Copenhagen University Hospital).